The following is an entry in ClinVar:

ClinVar aggregate classification (germline): Uncertain significance (1 of 4 stars; one submission).

Submission:

GeneDx
Classification: Uncertain significance. Last evaluated: 2024-09-06. Review status: criteria provided, single submitter. Criteria: GeneDx Variant Classification Process June 2021. Collection method: clinical testing. Allele origin: germline. Affected: yes.
Comment: Not observed at significant frequency in large population cohorts (gnomAD); In silico analysis supports that this missense variant has a deleterious effect on protein structure/function; Has not been previously published as pathogenic or benign to our knowledge; Variants in candidate genes are classified as variants of uncertain significance in accordance with ACMG guidelines (PMID: 25741868)

NM_032999.4(GTF2I):c.227T>G (p.Phe76Cys)

Genes: GTF2I-AS1 (GTF2I antisense RNA 1; minus strand), GTF2I (general transcription factor IIi; plus strand). Cytogenetic location: 7q11.23.
Variant type: single nucleotide variant.
Coding change: c.227T>G on transcript NM_032999.4 (MANE Select); coding-DNA position 227, T replaced by G.
Protein change: p.Phe76Cys; replaces phenylalanine 76 with cysteine.
Molecular consequence: missense variant.
Genome position (GRCh38, 1-based): chr7:74,691,100, T>G. VCF-style: chr7-74691100-T-G. GRCh37 (hg19) VCF-style: chr7-74105432-T-G.
Other names: c.227T>G, p.Phe76Cys (NM_001280800.2, NM_001518.5, NM_033000.4 and 2 more transcripts); short protein forms F76C.
Identifiers: ClinVar variation 4527049 (VCV004527049.1).